The following is an entry in ClinVar:

ClinVar aggregate classification (germline): Pathogenic (1 of 4 stars; one submission).

Conditions:
Cardiovascular phenotype. Identifiers: MedGen CN230736.

Submission:

Ambry Genetics
Classification: Pathogenic for Cardiovascular phenotype. Last evaluated: 2025-11-14. Review status: criteria provided, single submitter. Criteria: Ambry Variant Classification Scheme 2023. Collection method: clinical testing. Allele origin: germline.
Comment: The c.3456delG pathogenic mutation, located in coding exon 6 of the ALPK3 gene, results from a deletion of one nucleotide at nucleotide position 3456, causing a translational frameshift with a predicted alternate stop codon (p.S1153Afs*7). This variant was reported in individual(s) with features consistent with hypertrophic cardiomyopathy (Ambry internal data). This variant is considered to be rare based on population cohorts in the Genome Aggregation Database (gnomAD). This alteration is expected to result in loss of function by premature protein truncation or nonsense-mediated mRNA decay. As such, this alteration is interpreted as a disease-causing mutation.

NM_020778.5(ALPK3):c.2850del (p.Ser951fs)

Gene: ALPK3 (alpha kinase 3; plus strand). Cytogenetic location: 15q25.3.
Variant type: Deletion.
Coding change: c.2850del on transcript NM_020778.5 (MANE Select); coding-DNA position 2850, one base deleted (G; older notation c.2850delG).
Protein change: p.Ser951fs; shifts the reading frame from serine 951.
Molecular consequence: frameshift variant.
Genome position (GRCh38, 1-based): chr15:84,857,588, G deleted; the last of 2 consecutive G bases (chr15:84,857,587-84,857,588); deleting either gives the same sequence. VCF-style (leftmost placement, unchanged base first): chr15-84857586-CG-C. GRCh37 (hg19) VCF-style: chr15-85400817-CG-C.
Other names: short protein forms S951fs.
Identifiers: ClinVar variation 4613507 (VCV004613507.1).